The following is an entry in ClinVar:

ClinVar aggregate classification (germline): Uncertain significance. Review status: criteria provided, multiple submitters, no conflicts (2 of 4 stars). 2 submissions from 2 submitters: Uncertain significance (2). Last evaluated 2025-11-20.

Conditions:
Inborn genetic diseases. Identifiers: MedGen C0950123, MeSH D030342.
Intellectual disability, autosomal recessive 53 (NEDHSCA). Also called: NEURODEVELOPMENTAL DISORDER WITH OR WITHOUT HYPOTONIA, SEIZURES, AND CEREBELLAR ATROPHY; GLYCOSYLPHOSPHATIDYLINOSITOL BIOSYNTHESIS DEFECT 13; Mental retardation, autosomal recessive 53. Identifiers: Orphanet 488635, MedGen C4310794, MONDO:0014832, OMIM 616917.

Allele frequency attached by ClinVar (database versions not stated): gnomAD exomes 0.00001 and below 0.00001; TOPMed below 0.00001; ExAC 0.00002.
gnomAD v4.1: 2 of 1,613,830 alleles (0.00012%); highest among the groups gnomAD compares: East Asian, 0.0022%; no homozygotes.

Submissions (2):

Ambry Genetics
Classification: Uncertain significance for Inborn genetic diseases. Last evaluated: 2025-11-20. Review status: criteria provided, single submitter. Criteria: Ambry Variant Classification Scheme 2023. Collection method: clinical testing. Allele origin: germline.

Labcorp Genetics (formerly Invitae), Labcorp
Classification: Uncertain significance for Intellectual disability, autosomal recessive 53. Last evaluated: 2021-08-28. Review status: criteria provided, single submitter. Criteria: Invitae Variant Classification Sherloc (09022015). Collection method: clinical testing. Allele origin: germline.
Comment: This sequence change replaces lysine with threonine at codon 99 of the PIGG protein (p.Lys99Thr). The lysine residue is moderately conserved and there is a moderate physicochemical difference between lysine and threonine. This variant is present in population databases (rs782529475, ExAC 0.02%). This variant has not been reported in the literature in individuals affected with PIGG-related conditions. Algorithms developed to predict the effect of missense changes on protein structure and function are either unavailable or do not agree on the potential impact of this missense change (SIFT: "Tolerated"; PolyPhen-2: "Probably Damaging"; Align-GVGD: "Class C0"). In summary, the available evidence is currently insufficient to determine the role of this variant in disease. Therefore, it has been classified as a Variant of Uncertain Significance.

NM_001127178.3(PIGG):c.296A>C (p.Lys99Thr)

Gene: PIGG (phosphatidylinositol glycan anchor biosynthesis class G (EMM blood group); plus strand). Cytogenetic location: 4p16.3.
Variant type: single nucleotide variant.
Coding change: c.296A>C on transcript NM_001127178.3 (MANE Select); coding-DNA position 296, A replaced by C.
Protein change: p.Lys99Thr; replaces lysine 99 with threonine.
Molecular consequence: missense variant. On other transcripts: 5 prime UTR variant (5), non-coding transcript variant (10).
Genome position (GRCh38, 1-based): chr4:500,537, A>C. VCF-style: chr4-500537-A-C. GRCh37 (hg19) VCF-style: chr4-494326-A-C.
Other names: c.29A>C, p.Lys10Thr (NM_001289051.2, NM_001289053.2, NM_001289057.2 and 2 more transcripts); c.296A>C, p.Lys99Thr (NM_001289052.2, NM_001345989.2, NM_017733.5); c.-141A>C (NM_001289055.2); c.-592A>C (NM_001345988.2); c.-1330A>C (NM_001345990.2); c.-1192A>C (NM_001345991.2); c.-917A>C (NM_001345994.2); c.296A>C (NM_001127178.1); short protein forms K10T, K99T.
Identifiers: ClinVar variation 1485704 (VCV001485704.6), dbSNP rs782529475, ClinGen allele CA2792950.